The following is an entry in ClinVar:

ClinVar aggregate classification (germline): Uncertain significance (1 of 4 stars; one submission).

Submission:

Ambry Genetics
Classification: Uncertain significance. Last evaluated: 2024-11-10. Review status: criteria provided, single submitter. Criteria: Ambry Variant Classification Scheme 2023. Collection method: clinical testing. Allele origin: germline.
Comment: The p.N786Y variant (also known as c.2356A>T), located in coding exon 15 of the RINT1 gene, results from an A to T substitution at nucleotide position 2356. The asparagine at codon 786 is replaced by tyrosine, an amino acid with dissimilar properties. This amino acid position is conserved. In addition, this alteration is predicted to be tolerated by in silico analysis. Based on the available evidence, the clinical significance of this variant remains unclear.

NM_021930.6(RINT1):c.2356A>T (p.Asn786Tyr)

Genes: EFCAB10 (EF-hand calcium binding domain 10; minus strand), RINT1 (RAD50 interactor 1; plus strand). Cytogenetic location: 7q22.3.
Variant type: single nucleotide variant.
Coding change: c.2356A>T on transcript NM_021930.6 (MANE Select); coding-DNA position 2356, A replaced by T.
Protein change: p.Asn786Tyr; replaces asparagine 786 with tyrosine.
Molecular consequence: missense variant. On other transcripts: 3 prime UTR variant (2), non-coding transcript variant (1), intron variant (3).
Genome position (GRCh38, 1-based): chr7:105,567,288, A>T. VCF-style: chr7-105567288-A-T. GRCh37 (hg19) VCF-style: chr7-105207735-A-T.
Other names: c.*166T>A (NM_001355527.2, NM_001355529.2); c.2122A>T, p.Asn708Tyr (NM_001346599.2); c.1333A>T, p.Asn445Tyr (NM_001346600.2, NM_001346603.2); c.1432A>T, p.Asn478Tyr (NM_001346601.2); c.360-1841T>A (NM_001355531.2); c.383+179T>A (NM_001355526.2, NM_001355530.2); short protein forms N786Y, N478Y, N708Y, N445Y.
Identifiers: ClinVar variation 3433649 (VCV003433649.1).